The following is an entry in ClinVar:

ClinVar aggregate classification (germline): Conflicting classifications of pathogenicity. Review status: criteria provided, conflicting classifications (1 of 4 stars). 2 submissions from 2 submitters: Pathogenic (1); Uncertain significance (1). Last evaluated 2025-08-11.

Conditions:
Familial cancer of breast. Also called: hereditary breast carcinoma; Hereditary breast cancer; BREAST CANCER, FAMILIAL. Identifiers: Orphanet 227535, MedGen C0346153, MONDO:0016419, OMIM 114480. Disease mechanism: loss of function.
Hereditary cancer-predisposing syndrome. Also called: Hereditary neoplastic syndrome; Neoplastic Syndromes, Hereditary; Hereditary Cancer Syndrome; Tumor predisposition. Identifiers: Orphanet 140162, MedGen C0027672, MeSH D009386, MONDO:0015356.

Allele frequency attached by ClinVar (database versions not stated): TOPMed below 0.00001; gnomAD 0.00001.
gnomAD v4.1: 1 of 1,613,772 alleles (0.000062%); highest among the groups gnomAD compares: Non-Finnish European, 0.000085%; no homozygotes.

Submissions (2):

Labcorp Genetics (formerly Invitae), Labcorp
Classification: Pathogenic for Familial cancer of breast. Last evaluated: 2025-08-11. Review status: criteria provided, single submitter. Criteria: Invitae Variant Classification Sherloc (09022015). Collection method: clinical testing. Allele origin: germline.
Comment: This sequence change falls in intron 7 of the BARD1 gene. It does not directly change the encoded amino acid sequence of the BARD1 protein. RNA analysis indicates that this variant induces altered splicing and may result in an absent or altered protein product. This variant is not present in population databases (gnomAD no frequency). This variant has not been reported in the literature in individuals affected with BARD1-related conditions. ClinVar contains an entry for this variant (Variation ID: 2801604). Studies have shown that this variant results in skipping of exon 8 and activation of a cryptic splice site, and produces a non-functional protein and/or introduces a premature termination codon (internal data). For these reasons, this variant has been classified as Pathogenic.

Ambry Genetics
Classification: Uncertain significance for Hereditary cancer-predisposing syndrome. Last evaluated: 2024-08-21. Review status: criteria provided, single submitter. Criteria: Ambry Variant Classification Scheme 2023. Collection method: clinical testing. Allele origin: germline.
Comment: The c.1678-9T>G intronic variant results from a T to G substitution 9 nucleotides upstream from coding exon 8 in the BARD1 gene. This nucleotide position is not well conserved in available vertebrate species. In silico splice site analysis predicts that this alteration will weaken the native splice acceptor site and will result in the creation or strengthening of a novel splice acceptor site; however, direct evidence is insufficient at this time (Ambry internal data). Based on the available evidence, the clinical significance of this variant remains unclear.

NM_000465.4(BARD1):c.1678-9T>G

Gene: BARD1 (BRCA1 associated RING domain 1; minus strand). Cytogenetic location: 2q35.
Variant type: single nucleotide variant.
Coding change: c.1678-9T>G on transcript NM_000465.4 (MANE Select); 9 bases into the intron before coding-DNA position 1678, T replaced by G.
Molecular consequence: intron variant.
Genome position (GRCh38, 1-based): chr2:214,745,863, A>C on the plus strand (T>G on the coding strand, the complement: BARD1 is on the minus strand). VCF-style: chr2-214745863-A-C. GRCh37 (hg19) VCF-style: chr2-215610587-A-C.
Other names: c.1678-9T>G (NM_000465.2); c.268-9T>G (NM_001282548.2); c.1621-9T>G (NM_001282543.2); c.325-9T>G (NM_001282545.2); c.365-15355T>G (NM_001282549.2).
Identifiers: ClinVar variation 2801604 (VCV002801604.4), dbSNP rs1211334325, ClinGen allele CA764568211.
Genomic context (GRCh38, chr2:214,745,863, plus strand): 5'-GCCCACTGCCTATAAGTACAAGAGGTCCATCCCTACGCTGCCCAGTGTTCATCTGTTAAT[A>C]TAAAAGGAGATACCAGTGTTAAAAACATTAGACGACTAGACAAAGACATTAAACAGACTG-3'